The following is an entry in ClinVar:

NM_001723.7(DST):c.4341A>G (p.Gln1447=)

Gene: DST (dystonin; minus strand). Cytogenetic location: 6p12.1.
Variant type: single nucleotide variant.
Coding change: c.4341A>G on transcript NM_001723.7 (MANE Plus Clinical); coding-DNA position 4341, A replaced by G.
Protein change: p.Gln1447=; no amino-acid change (glutamine 1447 retained).
Molecular consequence: synonymous variant. On other transcripts: intron variant (10).
Genome position (GRCh38, 1-based): chr6:56,619,693, T>C on the plus strand (A>G on the coding strand, the complement: DST is on the minus strand). VCF-style: chr6-56619693-T-C. GRCh37 (hg19) VCF-style: chr6-56484491-T-C.
Other names: c.4830+4837A>G (NM_001144769.5); c.4929+4837A>G (NM_001374722.1, NM_001374736.1); c.4956+4837A>G (NM_001374734.1); c.4416+4837A>G (NM_001144770.2); c.4296+4837A>G (NM_001374730.1, NM_001386100.1, NM_183380.4 and 1 more transcripts); c.3318+4837A>G (NM_015548.5).
Identifiers: ClinVar variation 1569740 (VCV001569740.13), dbSNP rs780419000, ClinGen allele CA3870549.

ClinVar aggregate classification (germline): Likely benign. Review status: criteria provided, multiple submitters, no conflicts (2 of 4 stars). 3 submissions from 3 submitters: Likely benign (3). Last evaluated 2026-01-26.

Conditions:
Epidermolysis bullosa simplex 3, localized or generalized intermediate, with BP230 deficiency (EBS3). Also called: Epidermolysis bullosa simplex due to BP230 deficiency; Epidermolysis bullosa simplex, autosomal recessive 2. Identifiers: Orphanet 412181, MedGen C3809470, MONDO:0014180, OMIM 615425.
Hereditary sensory and autonomic neuropathy type 6. Also called: Neuropathy, hereditary sensory and autonomic, type VI; HSAN VI. Identifiers: Orphanet 314381, MedGen C3539003, MONDO:0013839, OMIM 614653.

Allele frequency attached by ClinVar (database versions not stated): TOPMed 0.00002; gnomAD exomes 0.00005 and 0.00007; ExAC 0.00006; gnomAD 0.00007 and 0.00009.
gnomAD v4.1: 118 of 1,613,932 alleles (0.0073%); highest among the groups gnomAD compares: Non-Finnish European, 0.0071%; no homozygotes.

Submissions (3):

Labcorp Genetics (formerly Invitae), Labcorp
Classification: Likely benign for Epidermolysis bullosa simplex 3, localized or generalized intermediate, with BP230 deficiency; Hereditary sensory and autonomic neuropathy type 6. Last evaluated: 2026-01-26. Review status: criteria provided, single submitter. Criteria: Invitae Variant Classification Sherloc (09022015). Collection method: clinical testing. Allele origin: germline.

CeGaT Center for Human Genetics Tuebingen
Classification: Likely benign. Last evaluated: 2026-01-01. Review status: criteria provided, single submitter. Criteria: CeGaT Center For Human Genetics Tuebingen Variant Classification Criteria Version 2. Collection method: clinical testing. Allele origin: germline. Affected: yes. Observed: 1 variant allele.
Comment: DST: BP4, BP7

Blueprint Genetics
Classification: Likely benign. Last evaluated: 2020-05-26. Review status: criteria provided, single submitter. Criteria: ACMG Guidelines, 2015. Collection method: clinical testing. Allele origin: germline.